The following is an entry in ClinVar:

ClinVar aggregate classification (germline): Uncertain significance (1 of 4 stars; one submission).

Conditions:
Epileptic encephalopathy. Identifiers: MedGen C0543888, HP:0200134.

Allele frequency attached by ClinVar (database versions not stated): gnomAD exomes 0.00001; TOPMed 0.00002.
gnomAD v4.1: 8 of 1,481,448 alleles (0.00054%); highest among the groups gnomAD compares: South Asian, 0.0014%; no homozygotes.

Submission:

Labcorp Genetics (formerly Invitae), Labcorp
Classification: Uncertain significance for Epileptic encephalopathy. Last evaluated: 2023-10-23. Review status: criteria provided, single submitter. Criteria: Invitae Variant Classification Sherloc (09022015). Collection method: clinical testing. Allele origin: germline.
Comment: This sequence change affects codon 107 of the GABBR2 mRNA. It is a 'silent' change, meaning that it does not change the encoded amino acid sequence of the GABBR2 protein. This variant also falls at the last nucleotide of exon 1, which is part of the consensus splice site for this exon. The frequency data for this variant in the population databases is considered unreliable, as metrics indicate poor data quality at this position in the gnomAD database. This variant has not been reported in the literature in individuals affected with GABBR2-related conditions. ClinVar contains an entry for this variant (Variation ID: 1063833). Variants that disrupt the consensus splice site are a relatively common cause of aberrant splicing (PMID: 17576681, 9536098). Algorithms developed to predict the effect of sequence changes on RNA splicing suggest that this variant is not likely to affect RNA splicing. In summary, the available evidence is currently insufficient to determine the role of this variant in disease. Therefore, it has been classified as a Variant of Uncertain Significance.

Literature cited by the submitters: PubMed 17576681; PubMed 9536098.

NM_005458.8(GABBR2):c.321G>A (p.Glu107=)

Gene: GABBR2 (gamma-aminobutyric acid type B receptor subunit 2; minus strand). Cytogenetic location: 9q22.33.
Variant type: single nucleotide variant.
Coding change: c.321G>A on transcript NM_005458.8 (MANE Select); coding-DNA position 321, G replaced by A.
Protein change: p.Glu107=; no amino-acid change (glutamic acid 107 retained).
Molecular consequence: synonymous variant.
Genome position (GRCh38, 1-based): chr9:98,708,417, C>T on the plus strand (G>A on the coding strand, the complement: GABBR2 is on the minus strand). VCF-style: chr9-98708417-C-T. GRCh37 (hg19) VCF-style: chr9-101470699-C-T.
Identifiers: ClinVar variation 1063833 (VCV001063833.9), dbSNP rs773774151, ClinGen allele CA5153038.